The following is an entry in ClinVar:

ClinVar aggregate classification (germline): Uncertain significance (1 of 4 stars; one submission).

Submission:

CeGaT Center for Human Genetics Tuebingen
Classification: Uncertain significance. Last evaluated: 2022-05-01. Review status: criteria provided, single submitter. Criteria: CeGaT Center For Human Genetics Tuebingen Variant Classification Criteria Version 2. Collection method: clinical testing. Allele origin: germline. Affected: yes. Observed: 1 variant allele.
Comment: SRCAP: PM2

NM_006662.3(SRCAP):c.6700G>A (p.Ala2234Thr)

Gene: SRCAP (Snf2 related CREBBP activator protein; plus strand). Cytogenetic location: 16p11.2.
Variant type: single nucleotide variant.
Coding change: c.6700G>A on transcript NM_006662.3 (MANE Select); coding-DNA position 6700, G replaced by A.
Protein change: p.Ala2234Thr; replaces alanine 2234 with threonine.
Molecular consequence: missense variant.
Genome position (GRCh38, 1-based): chr16:30,734,586, G>A. VCF-style: chr16-30734586-G-A. GRCh37 (hg19) VCF-style: chr16-30745907-G-A.
Other names: short protein forms A2234T.
Identifiers: ClinVar variation 2646403 (VCV002646403.24), dbSNP rs2506715371, ClinGen allele CA395626358.
Genomic context (GRCh38, chr16:30,734,586, plus strand): 5'-CTGGAGGAACCTTCTAGCTCATCCGTGCCCTCTGCCCCTGAAGAGGAGGAAGAGACTGTG[G>A]CCAGCAAGCAGACTCATATTCTGGAGCAGGTAAAAAAAGAGTGGGCAGTTCGTAAAGTTG-3'
Protein context (NP_006653.2, residues 2224-2244): SAPEEEEETV[Ala2234Thr]SKQTHILEQA